The following is an entry in ClinVar:

NM_014014.5(SNRNP200):c.4504C>T (p.His1502Tyr)

Gene: SNRNP200 (small nuclear ribonucleoprotein U5 subunit 200; minus strand). Cytogenetic location: 2q11.2.
Variant type: single nucleotide variant.
Coding change: c.4504C>T on transcript NM_014014.5 (MANE Select); coding-DNA position 4504, C replaced by T.
Protein change: p.His1502Tyr; replaces histidine 1502 with tyrosine.
Molecular consequence: missense variant.
Genome position (GRCh38, 1-based): chr2:96,283,893, G>A on the plus strand (C>T on the coding strand, the complement: SNRNP200 is on the minus strand). VCF-style: chr2-96283893-G-A. GRCh37 (hg19) VCF-style: chr2-96949631-G-A.
Other names: short protein forms H1502Y.
Identifiers: ClinVar variation 3607822 (VCV003607822.2).
Genomic context (GRCh38, chr2:96,283,893, plus strand): 5'-GGACGGGACGCACATTGGGATGGAAGTTGAAGGTGGAGGTGGCACTGCAGCCCAGCCAGT[G>A]GGCCACATCCTTGGCATTGGAGAGCGAAGAGCTGAGTGCCACAATGCGAATGGGCCGCTC-3'
Protein context (NP_054733.2, residues 1492-1512): SSLSNAKDVA[His1502Tyr]WLGCSATSTF

ClinVar aggregate classification (germline): Uncertain significance (1 of 4 stars; one submission).

gnomAD v4.1: 4 of 1,595,892 alleles (0.00025%); highest among the groups gnomAD compares: Non-Finnish European, 0.00034%; no homozygotes.

Submission:

Labcorp Genetics (formerly Invitae), Labcorp
Classification: Uncertain significance. Last evaluated: 2024-05-25. Review status: criteria provided, single submitter. Criteria: Invitae Variant Classification Sherloc (09022015). Collection method: clinical testing. Allele origin: germline.
Comment: This sequence change replaces histidine, which is basic and polar, with tyrosine, which is neutral and polar, at codon 1502 of the SNRNP200 protein (p.His1502Tyr). This variant is not present in population databases (gnomAD no frequency). This variant has not been reported in the literature in individuals affected with SNRNP200-related conditions. Advanced modeling of protein sequence and biophysical properties (such as structural, functional, and spatial information, amino acid conservation, physicochemical variation, residue mobility, and thermodynamic stability) performed at Invitae indicates that this missense variant is not expected to disrupt SNRNP200 protein function with a negative predictive value of 80%. In summary, the available evidence is currently insufficient to determine the role of this variant in disease. Therefore, it has been classified as a Variant of Uncertain Significance.